The following is an entry in ClinVar:

NM_003801.4(GPAA1):c.1726G>A (p.Glu576Lys)

Gene: GPAA1 (glycosylphosphatidylinositol anchor attachment 1; plus strand). Cytogenetic location: 8q24.3.
Variant type: single nucleotide variant.
Coding change: c.1726G>A on transcript NM_003801.4 (MANE Select); coding-DNA position 1726, G replaced by A.
Protein change: p.Glu576Lys; replaces glutamic acid 576 with lysine.
Molecular consequence: missense variant.
Genome position (GRCh38, 1-based): chr8:144,085,985, G>A. VCF-style: chr8-144085985-G-A. GRCh37 (hg19) VCF-style: chr8-145140888-G-A.
Other names: short protein forms E576K.
Identifiers: ClinVar variation 1408440 (VCV001408440.4), dbSNP rs367544103, ClinGen allele CA4933247.

ClinVar aggregate classification (germline): Uncertain significance (1 of 4 stars; one submission).

Allele frequency attached by ClinVar (database versions not stated): gnomAD 0.00016 and 0.00017; gnomAD exomes 0.00017; TOPMed 0.00017; ExAC 0.00019; ESP Exome Variant Server 0.00024.
gnomAD v4.1: 214 of 1,608,104 alleles (0.013%); highest among the groups gnomAD compares: South Asian, 0.042%; 1 homozygote.

Submission:

Labcorp Genetics (formerly Invitae), Labcorp
Classification: Uncertain significance. Last evaluated: 2024-10-22. Review status: criteria provided, single submitter. Criteria: Invitae Variant Classification Sherloc (09022015). Collection method: clinical testing. Allele origin: germline.
Comment: This sequence change replaces glutamic acid, which is acidic and polar, with lysine, which is basic and polar, at codon 576 of the GPAA1 protein (p.Glu576Lys). This variant is present in population databases (rs367544103, gnomAD 0.08%). This variant has not been reported in the literature in individuals affected with GPAA1-related conditions. ClinVar contains an entry for this variant (Variation ID: 1408440). An algorithm developed to predict the effect of missense changes on protein structure and function (PolyPhen-2) suggests that this variant¬†is likely to be tolerated. In summary, the available evidence is currently insufficient to determine the role of this variant in disease. Therefore, it has been classified as a Variant of Uncertain Significance.